The following is an entry in ClinVar:

NM_014049.5(ACAD9):c.1857G>C (p.Arg619Ser)

Genes: ACAD9 (acyl-CoA dehydrogenase family member 9; plus strand), CFAP92 (cilia and flagella associated protein 92 (putative); minus strand). Cytogenetic location: 3q21.3.
Variant type: single nucleotide variant.
Coding change: c.1857G>C on transcript NM_014049.5 (MANE Select); coding-DNA position 1857, G replaced by C.
Protein change: p.Arg619Ser; replaces arginine 619 with serine.
Molecular consequence: missense variant. On other transcripts: non-coding transcript variant (1), intron variant (3).
Genome position (GRCh38, 1-based): chr3:128,912,598, G>C. VCF-style: chr3-128912598-G-C. GRCh37 (hg19) VCF-style: chr3-128631441-G-C.
Other names: c.1488G>C, p.Arg496Ser (NM_001410805.1); c.2312-2265C>G (NM_001348521.2); c.2408-2265C>G (NM_001348520.2); c.3281-2265C>G (NM_001394090.1); short protein forms R496S, R619S.
Identifiers: ClinVar variation 2047257 (VCV002047257.1), dbSNP rs560523989, ClinGen allele CA354441819.
Genomic context (GRCh38, chr3:128,912,598, plus strand): 5'-GAAAGTGTCCCAGCAGATCCTTGAGAAGCGAGCCTATATCTGTGCCCACCCTCTGGACAG[G>C]ACATGCTGAGGCAGGGGACAGTGTCCCCTGCTACCGCCCGCCCCTACCCATGGCCCGTTG-3'
Protein context (NP_054768.2, residues 609-621): RAYICAHPLD[Arg619Ser]TC

ClinVar aggregate classification (germline): Uncertain significance (1 of 4 stars; one submission).

gnomAD v4.1: 1 of 1,613,936 alleles (0.000062%); highest among the groups gnomAD compares: Non-Finnish European, 0.000085%; no homozygotes.

Submission:

Labcorp Genetics (formerly Invitae), Labcorp
Classification: Uncertain significance. Last evaluated: 2022-06-27. Review status: criteria provided, single submitter. Criteria: Invitae Variant Classification Sherloc (09022015). Collection method: clinical testing. Allele origin: germline.
Comment: This sequence change replaces arginine, which is basic and polar, with serine, which is neutral and polar, at codon 619 of the ACAD9 protein (p.Arg619Ser). This variant is not present in population databases (gnomAD no frequency). This variant has not been reported in the literature in individuals affected with ACAD9-related conditions. Advanced modeling of protein sequence and biophysical properties (such as structural, functional, and spatial information, amino acid conservation, physicochemical variation, residue mobility, and thermodynamic stability) performed at Invitae indicates that this missense variant is not expected to disrupt ACAD9 protein function. In summary, the available evidence is currently insufficient to determine the role of this variant in disease. Therefore, it has been classified as a Variant of Uncertain Significance.